The following is an entry in ClinVar:

NM_016373.4(WWOX):c.101A>G (p.Tyr34Cys)

Gene: WWOX (WW domain containing oxidoreductase; plus strand). Cytogenetic location: 16q23.1.
Variant type: single nucleotide variant.
Coding change: c.101A>G on transcript NM_016373.4 (MANE Select); coding-DNA position 101, A replaced by G.
Protein change: p.Tyr34Cys; replaces tyrosine 34 with cysteine.
Molecular consequence: missense variant. On other transcripts: 5 prime UTR variant (1), non-coding transcript variant (2).
Genome position (GRCh38, 1-based): chr16:78,099,879, A>G. VCF-style: chr16-78099879-A-G. GRCh37 (hg19) VCF-style: chr16-78133776-A-G.
Other names: c.-174A>G (NM_001291997.2); c.101A>G, p.Tyr34Cys (NM_130791.5); c.101A>G (NM_016373.2); short protein forms Y34C.
Identifiers: ClinVar variation 241098 (VCV000241098.8), dbSNP rs766309882, ClinGen allele CA10583429.
Genomic context (GRCh38, chr16:78,099,879, plus strand): 5'-GTGAGGACGAGCTGCCTCCGGGCTGGGAGGAGAGAACCACCAAGGACGGCTGGGTTTACT[A>G]CGCCAAGTAAGGGGGCCGCAGTGGGGCCGCGGACGCACCTGGGACCCTGCACAGCCCACG-3'
Protein context (NP_057457.1, residues 24-44): ERTTKDGWVY[Tyr34Cys]ANHTEEKTQW

ClinVar aggregate classification (germline): Uncertain significance. Review status: criteria provided, multiple submitters, no conflicts (2 of 4 stars). 2 submissions from 2 submitters: Uncertain significance (2). Last evaluated 2024-04-22.

Conditions:
Autosomal recessive spinocerebellar ataxia 12. Also called: SPINOCEREBELLAR ATAXIA WITH MENTAL RETARDATION AND EPILEPSY. Identifiers: Orphanet 284282, MedGen C3280452, MONDO:0013687, OMIM 614322.
Developmental and epileptic encephalopathy, 1 (DEE1). Also called: INFANTILE SPASM SYNDROME, X-LINKED 1; OHTAHARA SYNDROME, X-LINKED; Epileptic encephalopathy, early infantile, 1; X-linked infantile spasms; West's syndrome; Tonic spasms with clustering, arrest of psychomotor development and hypsarrhythmia on EEG. Identifiers: MedGen C3463992, MONDO:0010632, OMIM 308350. Disease mechanism: loss of function.

Submissions (2):

GeneDx
Classification: Uncertain significance. Last evaluated: 2024-04-22. Review status: criteria provided, single submitter. Criteria: GeneDx Variant Classification Process June 2021. Collection method: clinical testing. Allele origin: germline. Affected: yes.
Comment: Not observed at significant frequency in large population cohorts (gnomAD); In silico analysis supports that this missense variant has a deleterious effect on protein structure/function; Has not been previously published as pathogenic or benign to our knowledge; This variant is associated with the following publications: (PMID: 25411445)

Labcorp Genetics (formerly Invitae), Labcorp
Classification: Uncertain significance for Developmental and epileptic encephalopathy, 1; Autosomal recessive spinocerebellar ataxia 12. Last evaluated: 2020-01-11. Review status: criteria provided, single submitter. Criteria: Invitae Variant Classification Sherloc (09022015). Collection method: clinical testing. Allele origin: germline.
Comment: In summary, this variant is a novel missense change with uncertain impact on protein function. It has been classified as a Variant of Uncertain Significance. This sequence change replaces tyrosine with cysteine at codon 34 of the WWOX protein (p.Tyr34Cys). There is a large physicochemical difference between tyrosine and cysteine. This variant is not present in population databases (ExAC no frequency) and has not been reported in the literature in individuals with a WWOX-related disease. Algorithms developed to predict the effect of missense changes on protein structure and function (SIFT, PolyPhen-2, Align-GVGD) all suggest that this variant is likely to be disruptive, but these predictions have not been confirmed by published functional studies.